The following is an entry in ClinVar:

ClinVar aggregate classification (germline): Conflicting classifications of pathogenicity. Review status: criteria provided, conflicting classifications (1 of 4 stars). 3 submissions from 3 submitters: Uncertain significance (1); Likely benign (2). Last evaluated 2025-08-18.

Allele frequency attached by ClinVar (database versions not stated): gnomAD exomes 0.00002 and 0.00006; ExAC 0.00005; gnomAD 0.00012; ESP Exome Variant Server 0.00015; TOPMed 0.00018.
gnomAD v4.1: 49 of 1,613,200 alleles (0.003%); highest among the groups gnomAD compares: African/African-American, 0.021%; no homozygotes.

Submissions (3):

Labcorp Genetics (formerly Invitae), Labcorp
Classification: Likely benign. Last evaluated: 2025-08-18. Review status: criteria provided, single submitter. Criteria: Invitae Variant Classification Sherloc (09022015). Collection method: clinical testing. Allele origin: germline.

CeGaT Center for Human Genetics Tuebingen
Classification: Likely benign. Last evaluated: 2023-11-01. Review status: criteria provided, single submitter. Criteria: CeGaT Center For Human Genetics Tuebingen Variant Classification Criteria Version 2. Collection method: clinical testing. Allele origin: germline. Affected: yes. Observed: 1 variant allele.
Comment: ROR2: BP4, BP7

Eurofins Ntd Llc (ga)
Classification: Uncertain significance. Last evaluated: 2017-02-08. Review status: criteria provided, single submitter. Criteria: EGL Classification Definitions 2015. Collection method: clinical testing. Allele origin: germline. Observed: 1 variant allele, 1 heterozygote.

NM_004560.4(ROR2):c.2286G>A (p.Ser762=)

Gene: ROR2 (ROR family WNT receptor 2; minus strand). Cytogenetic location: 9q22.31.
Variant type: single nucleotide variant.
Coding change: c.2286G>A on transcript NM_004560.4 (MANE Select); coding-DNA position 2286, G replaced by A.
Protein change: p.Ser762=; no amino-acid change (serine 762 retained).
Molecular consequence: synonymous variant.
Genome position (GRCh38, 1-based): chr9:91,724,208, C>T on the plus strand (G>A on the coding strand, the complement: ROR2 is on the minus strand). VCF-style: chr9-91724208-C-T. GRCh37 (hg19) VCF-style: chr9-94486490-C-T.
Identifiers: ClinVar variation 500118 (VCV000500118.31), dbSNP rs143759440, ClinGen allele CA5120428.